The following is an entry in ClinVar:

NM_000297.4(PKD2):c.1837C>T (p.Gln613Ter)

Gene: PKD2 (polycystin 2, transient receptor potential cation channel; plus strand). Cytogenetic location: 4q22.1.
Variant type: single nucleotide variant.
Coding change: c.1837C>T on transcript NM_000297.4 (MANE Select); coding-DNA position 1837, C replaced by T.
Protein change: p.Gln613Ter; replaces glutamine 613 with a stop codon.
Molecular consequence: nonsense. On other transcripts: non-coding transcript variant (1).
Genome position (GRCh38, 1-based): chr4:88,056,206, C>T. VCF-style: chr4-88056206-C-T. GRCh37 (hg19) VCF-style: chr4-88977358-C-T.
Other names: short protein forms Q613*.
Identifiers: ClinVar variation 1177418 (VCV001177418.17), dbSNP rs2110127334, ClinGen allele CA357622864.

ClinVar aggregate classification (germline): Pathogenic/Likely pathogenic. Review status: criteria provided, multiple submitters, no conflicts (2 of 4 stars). 9 submissions from 9 submitters: Pathogenic (8); Likely pathogenic (1). Last evaluated 2026-02-20.

Conditions:
Polycystic kidney disease 2 (PKD2). Also called: Polycystic Kidney Disease 2, Autosomal Dominant; POLYCYSTIC KIDNEY DISEASE 2 WITH OR WITHOUT POLYCYSTIC LIVER DISEASE; POLYCYSTIC KIDNEY DISEASE, ADULT, TYPE II. Identifiers: MedGen C2751306, MONDO:0013131, OMIM 613095.
PKD2-related disorder. Also called: PKD2-related condition.

Submissions (9):

Victorian Clinical Genetics Services, Murdoch Childrens Research Institute
Classification: Pathogenic for Polycystic kidney disease 2. Last evaluated: 2026-02-20. Review status: criteria provided, single submitter. Criteria: ACMG Guidelines, 2015. Collection method: clinical testing. Allele origin: germline. Affected: yes.
Comment: This variant is classified as Pathogenic. Evidence in support of pathogenic classification: Variant is predicted to cause nonsense-mediated decay (NMD) and loss of protein (premature termination codon is located at least 54 nucleotides upstream of the final exon-exon junction); Variant is absent from gnomAD (v2, v3 and v4); This variant has strong previous evidence of pathogenicity in unrelated individuals. This variant has been classified as pathogenic or likely pathogenic by multiple clinical laboratories in ClinVar; Other NMD-predicted variant(s) comparable to the one identified in this case have very strong previous evidence for pathogenicity (DECIPHER). Additional information: This variant is heterozygous; This gene is associated with autosomal dominant disease; Loss of function is a known mechanism of disease in this gene and is associated with polycystic kidney disease 2 (MIM#613095) - Inheritance information for this variant is not currently available in this individual.

PreventionGenetics, part of Exact Sciences
Classification: Pathogenic for PKD2-related condition. Last evaluated: 2026-01-30. Review status: criteria provided, single submitter. Criteria: ACMG Guidelines, 2015. Collection method: clinical testing. Allele origin: germline.
Comment: The PKD2 c.1837C>T variant is predicted to result in premature protein termination (p.Gln613*). This variant has been reported to be pathogenic for autosomal dominant polycystic kidney disease (ADPKD) (see for example, Robinson et al. 2012. PubMed ID: 22863349). This variant has not been reported in a large population database (gnomAD), indicating this variant is rare. Nonsense variants in PKD2 are expected to be pathogenic. This variant is interpreted as pathogenic.

GeneDx
Classification: Pathogenic. Last evaluated: 2025-11-07. Review status: criteria provided, single submitter. Criteria: GeneDx Variant Classification Process June 2021. Collection method: clinical testing. Allele origin: germline. Affected: yes.
Comment: Nonsense variant predicted to result in protein truncation or nonsense mediated decay in a gene for which loss of function is a known mechanism of disease; Not observed at significant frequency in large population cohorts (gnomAD); This variant is associated with the following publications: (PMID: 34426522, 36177613, 34008892, 22508176, 22863349, 36938073, 37078890, 35325889, Kaynar2025[CaseReport], 37372416)

Genetic Services Laboratory, University of Chicago
Classification: Pathogenic. Last evaluated: 2023-11-29. Review status: criteria provided, single submitter. Criteria: ACMG Guidelines, 2015. Collection method: clinical testing. Allele origin: germline. Affected: yes.
Comment: DNA sequence analysis of the PKD2 gene demonstrated a sequence change, c.1837C>T, which results in the creation of a premature stop codon at amino acid position 613, p.Gln613*. This pathogenic sequence change is predicted to result in an abnormal transcript, which may be degraded, or may lead to the production of a truncated PKD2 protein with potentially abnormal function. This pathogenic sequence change has previously been described in several unrelated individuals with polycystic kidney disease [PMID: 34008892, 36177613, 22508176, 22863349]. This sequence change has not been described in the population databases such as ExAC and gnomAD. These collective evidences indicate that this sequence change is pathogenic.

Department of Human Genetics, Hannover Medical School
Classification: Pathogenic for Polycystic kidney disease 2. Last evaluated: 2022-07-20. Review status: criteria provided, single submitter. Criteria: ACMG Guidelines, 2015. Collection method: clinical testing. Allele origin: germline. Inheritance: Autosomal dominant inheritance. Affected: yes.

Laboratory of Medical Genetics, National & Kapodistrian University of Athens
Classification: Pathogenic for Polycystic kidney disease 2. Last evaluated: 2021-10-01. Review status: criteria provided, single submitter. Criteria: ACMG Guidelines, 2015. Collection method: clinical testing. Allele origin: unknown. Affected: yes.
Comment: PVS1, PM2, PP3, PP5

Fulgent Genetics
Classification: Likely pathogenic for Polycystic kidney disease 2. Last evaluated: 2021-06-30. Review status: criteria provided, single submitter. Criteria: ACMG Guidelines, 2015. Collection method: clinical testing. Allele origin: unknown.
Comment: This variant has been detected in individual(s) who were sent for testing of Renasight - kidney gene panel.

Blueprint Genetics
Classification: Pathogenic for PKD2-related disorders. Last evaluated: 2021-06-09. Review status: criteria provided, single submitter. Criteria: ACMG Guidelines, 2015. Collection method: clinical testing. Allele origin: germline. Affected: yes. Observed: 2 variant alleles.

Genomic Medicine Center of Excellence, King Faisal Specialist Hospital and Research Centre
Classification: Pathogenic for Polycystic kidney disease 2. Last evaluated: 2021-01-04. Review status: criteria provided, single submitter. Criteria: ACMG Guidelines, 2015. Collection method: clinical testing. Allele origin: germline. Affected: yes.

Literature cited by the submitters: PubMed 34008892 (cited by Laboratory of Medical Genetics, National & Kapodistrian University of Athens).